The following is an entry in ClinVar:

ClinVar aggregate classification (germline): Uncertain significance. Review status: criteria provided, multiple submitters, no conflicts (2 of 4 stars). 2 submissions from 2 submitters: Uncertain significance (2). Last evaluated 2024-08-04.

Conditions:
Inborn genetic diseases. Identifiers: MedGen C0950123, MeSH D030342.
Combined oxidative phosphorylation deficiency 35 (COXPD35). Identifiers: MedGen C4693466, MONDO:0054742, OMIM 617873.

gnomAD v4.1: 47 of 1,614,124 alleles (0.0029%); highest among the groups gnomAD compares: South Asian, 0.049%; no homozygotes.

Submissions (2):

Ambry Genetics
Classification: Uncertain significance for Inborn genetic diseases. Last evaluated: 2024-08-04. Review status: criteria provided, single submitter. Criteria: Ambry Variant Classification Scheme 2023. Collection method: clinical testing. Allele origin: germline.

Neuberg Centre For Genomic Medicine, NCGM
Classification: Uncertain significance for Combined oxidative phosphorylation deficiency 35. Last evaluated: 2023-05-20. Review status: criteria provided, single submitter. Criteria: ACMG Guidelines, 2015. Collection method: clinical testing. Allele origin: germline. Inheritance: Autosomal recessive inheritance. Affected: yes.
Comment: The observed missense c.528G>T(p.Lys176Asn) variant in TRIT1 gene has not been reported previously as a pathogenic variant nor as a benign variant, to our knowledge. This variant is reported with the allele frequency of 0.006% in the gnomAD Exomes. The amino acid Lys at position 176 is changed to a Asn changing protein sequence and it might alter its composition and physico-chemical properties. The amino acid change p.Lys176Asn in TRIT1 is predicted as conserved by GERP++ and PhyloP across 100 vertebrates. Computational evidence (Polyphen - Benign, SIFT - Damaging, and MutationTaster - Disease causing) predicts conflicting evidence on protein structure and function for this variant. For these reasons, this variant has been classified as Uncertain Significance.

NM_017646.6(TRIT1):c.528G>T (p.Lys176Asn)

Gene: TRIT1 (tRNA isopentenyltransferase 1; minus strand). Cytogenetic location: 1p34.2.
Variant type: single nucleotide variant.
Coding change: c.528G>T on transcript NM_017646.6 (MANE Select); coding-DNA position 528, G replaced by T.
Protein change: p.Lys176Asn; replaces lysine 176 with asparagine.
Molecular consequence: missense variant.
Genome position (GRCh38, 1-based): chr1:39,852,763, C>A on the plus strand (G>T on the coding strand, the complement: TRIT1 is on the minus strand). VCF-style: chr1-39852763-C-A. GRCh37 (hg19) VCF-style: chr1-40318435-C-A.
Other names: c.528G>T (NM_017646.4); c.528G>T, p.Lys176Asn (NM_001312691.2); c.288G>T, p.Lys96Asn (NM_001312692.2); short protein forms K176N, K96N.
Identifiers: ClinVar variation 3341368 (VCV003341368.2).
Genomic context (GRCh38, chr1:39,852,763, plus strand): 5'-TTGGGGTCAGCGCGCCAGGCTTTCTTACCTGGCCACTTTGCGTTTGTCATGTGGATGCAG[C>A]TTGGCAGCCATTTCTGGGTCCACCTGGCTTAGGCGTTTGTGAAGTACAAGACCATCCTCC-3'
Protein context (NP_060116.2, residues 166-186): LSQVDPEMAA[Lys176Asn]LHPHDKRKVA